The following is an entry in ClinVar:

ClinVar aggregate classification (germline): Pathogenic (1 of 4 stars; one submission).

Conditions:
Short-rib thoracic dysplasia 11 with or without polydactyly (SRTD11). Also called: SHORT-RIB THORACIC DYSPLASIA 11 WITHOUT POLYDACTYLY. Identifiers: Orphanet 474, Orphanet 93271, MedGen C3810200, MONDO:0014287, OMIM 615633.

Submission:

Labcorp Genetics (formerly Invitae), Labcorp
Classification: Pathogenic for Short-rib thoracic dysplasia 11 with or without polydactyly. Last evaluated: 2025-11-17. Review status: criteria provided, single submitter. Criteria: Invitae Variant Classification Sherloc (09022015). Collection method: clinical testing. Allele origin: germline.
Comment: This sequence change creates a premature translational stop signal (p.Lys477Serfs*31) in the WDR34 gene. While this is not anticipated to result in nonsense mediated decay, it is expected to disrupt the last 60 amino acid(s) of the WDR34 protein. This variant is not present in population databases (gnomAD no frequency). This variant has not been reported in the literature in individuals affected with WDR34-related conditions. This variant disrupts a region of the WDR34 protein in which other variant(s) (p.Thr514Argfs*11) have been determined to be pathogenic (PMID: 24183451). This suggests that this is a clinically significant region of the protein, and that variants that disrupt it are likely to be disease-causing. For these reasons, this variant has been classified as Pathogenic.

Literature cited by the submitters: PubMed 24183451.

NM_052844.4(DYNC2I2):c.1428del (p.Lys477fs)

Gene: DYNC2I2 (dynein 2 intermediate chain 2; minus strand). Cytogenetic location: 9q34.11.
Variant type: Deletion.
Coding change: c.1428del on transcript NM_052844.4 (MANE Select); coding-DNA position 1428, one base deleted (C; older notation c.1428delC).
Protein change: p.Lys477fs; shifts the reading frame from lysine 477.
Molecular consequence: frameshift variant.
Genome position (GRCh38, 1-based): chr9:128,633,927, G deleted on the plus strand (C on the coding strand, the reverse complement: DYNC2I2 is on the minus strand). VCF-style (leftmost placement, unchanged base first): chr9-128633926-TG-T. GRCh37 (hg19) VCF-style: chr9-131396205-TG-T.
Other names: short protein forms K477fs.
Identifiers: ClinVar variation 4731369 (VCV004731369.1).